The following is an entry in ClinVar:

ClinVar aggregate classification (germline): Likely benign. Review status: criteria provided, multiple submitters, no conflicts (2 of 4 stars). 6 submissions from 6 submitters: Likely benign (5). 1 of the submissions does not count toward it. Last evaluated 2026-09-01.

Conditions:
TRIM2-related disorder. Also called: TRIM2-related condition.
Charcot-Marie-Tooth disease type 2R. Also called: CHARCOT-MARIE-TOOTH NEUROPATHY, TYPE 2R; CHARCOT-MARIE-TOOTH DISEASE, AXONAL, AUTOSOMAL RECESSIVE, TYPE 2R; Charcot-Marie-Tooth disease, axonal, type 2R. Identifiers: Orphanet 397968, MedGen C3809655, MONDO:0014208, OMIM 615490.

Allele frequency attached by ClinVar (database versions not stated): 1000 Genomes Project 30x 0.00031; 1000 Genomes Project 0.00040; ESP Exome Variant Server 0.00108; TOPMed 0.00147; gnomAD 0.00155 and 0.00161; gnomAD exomes 0.00185; ExAC 0.00195.

Submissions (6):

CeGaT Center for Human Genetics Tuebingen
Classification: Likely benign. Last evaluated: 2026-09-01. Review status: criteria provided, single submitter. Criteria: CeGaT Center For Human Genetics Tuebingen Variant Classification Criteria Version 2. Collection method: clinical testing. Allele origin: germline. Affected: yes. Observed: 7 variant alleles.
Comment: TRIM2: BS2

Labcorp Genetics (formerly Invitae), Labcorp
Classification: Likely benign for Charcot-Marie-Tooth disease type 2R. Last evaluated: 2026-02-02. Review status: criteria provided, single submitter. Criteria: Invitae Variant Classification Sherloc (09022015). Collection method: clinical testing. Allele origin: germline.

ARUP Laboratories, Molecular Genetics and Genomics, ARUP Laboratories
Classification: Likely benign for Charcot-Marie-Tooth disease type 2R. Last evaluated: 2025-03-14. Review status: criteria provided, single submitter. Criteria: ARUP Molecular Germline Variant Investigation Process 2024. Collection method: clinical testing. Allele origin: germline.

Women's Health and Genetics/Laboratory Corporation of America, LabCorp
Classification: Likely benign. Last evaluated: 2025-01-23. Review status: criteria provided, single submitter. Criteria: LabCorp Variant Classification Summary - May 2015. Collection method: clinical testing. Allele origin: germline.
Comment: Variant summary: TRIM2 c.41G>A (p.Arg14His) results in a non-conservative amino acid change in the encoded protein sequence. Two of three in-silico tools predict a damaging effect of the variant on protein function. The variant allele was found at a frequency of 0.0019 in 251258 control chromosomes in the gnomAD database, including 4 homozygotes. The observed variant frequency is approximately 2 fold of the estimated maximal expected allele frequency for a pathogenic variant in TRIM2 causing Charcot-Marie-Tooth disease type 2R phenotype (0.0011). To our knowledge, no occurrence of c.41G>A in individuals affected with Charcot-Marie-Tooth disease type 2R and no experimental evidence demonstrating its impact on protein function have been reported. ClinVar contains an entry for this variant (Variation ID: 474610). Based on the evidence outlined above, the variant was classified as likely benign.

GeneDx
Classification: Likely benign. Last evaluated: 2020-08-05. Review status: criteria provided, single submitter. Criteria: GeneDx Variant Classification Process June 2021. Collection method: clinical testing. Allele origin: germline. Affected: yes.

PreventionGenetics, part of Exact Sciences
Classification: Likely benign for TRIM2-related condition. Last evaluated: 2022-10-04. Review status: no assertion criteria provided. Collection method: clinical testing. Allele origin: germline. Not counted in ClinVar's aggregate classification.
Comment: This variant is classified as likely benign based on ACMG/AMP sequence variant interpretation guidelines (Richards et al. 2015 PMID: 25741868, with internal and published modifications).

NM_015271.5(TRIM2):c.122G>A (p.Arg41His)

Gene: TRIM2 (tripartite motif containing 2; plus strand). Cytogenetic location: 4q31.3.
Variant type: single nucleotide variant.
Coding change: c.122G>A on transcript NM_015271.5 (MANE Select); coding-DNA position 122, G replaced by A.
Protein change: p.Arg41His; replaces arginine 41 with histidine.
Molecular consequence: missense variant. On other transcripts: 5 prime UTR variant (3), intron variant (1).
Genome position (GRCh38, 1-based): chr4:153,270,426, G>A. VCF-style: chr4-153270426-G-A. GRCh37 (hg19) VCF-style: chr4-154191578-G-A.
Other names: c.41G>A, p.Arg14His (NM_001130067.2, NM_001351056.2, NM_001375512.1 and 5 more transcripts); c.122G>A, p.Arg41His (NM_001302692.2, NM_001375488.1, NM_001375490.1 and 1 more transcripts); c.119G>A, p.Arg40His (NM_001302693.2, NM_001375489.1, NM_001375491.1 and 1 more transcripts); c.95G>A, p.Arg32His (NM_001302694.2, NM_001351054.2); c.92G>A, p.Arg31His (NM_001351055.2); c.-436G>A (NM_001351057.2); c.-168G>A (NM_001375522.1, NM_001375523.1); c.-124-5467G>A (NM_001375525.1); and 1 more; short protein forms R14H, R31H, R32H, R40H, R41H.
Identifiers: ClinVar variation 474610 (VCV000474610.65), dbSNP rs146705057, ClinGen allele CA3108478.
Genomic context (GRCh38, chr4:153,270,426, plus strand): 5'-CCCCATGTCAGTGGTCTAGGATGGCCAGTGAAGGCACCAACATCCCAAGTCCTGTGGTGC[G>A]CCAGATTGACAAGCAGTTTCTGATTTGCAGTATATGCCTGGAACGGTACAAGAATCCCAA-3'
Protein context (NP_056086.2, residues 31-51): EGTNIPSPVV[Arg41His]QIDKQFLICS